The following is an entry in ClinVar:

NM_002693.3(POLG):c.1909G>C (p.Gly637Arg)

Gene: POLG (DNA polymerase gamma, catalytic subunit; minus strand). Cytogenetic location: 15q26.1.
Variant type: single nucleotide variant.
Coding change: c.1909G>C on transcript NM_002693.3 (MANE Select); coding-DNA position 1909, G replaced by C.
Protein change: p.Gly637Arg; replaces glycine 637 with arginine.
Molecular consequence: missense variant.
Genome position (GRCh38, 1-based): chr15:89,325,490, C>G on the plus strand (G>C on the coding strand, the complement: POLG is on the minus strand). VCF-style: chr15-89325490-C-G. GRCh37 (hg19) VCF-style: chr15-89868721-C-G.
Other names: c.1909G>C, p.Gly637Arg (NM_001126131.2); short protein forms G637R.
Identifiers: ClinVar variation 1721998 (VCV001721998.6), dbSNP rs2152065820, ClinGen allele CA393759064.

ClinVar aggregate classification (germline): Uncertain significance (1 of 4 stars; one submission).

Conditions:
Progressive sclerosing poliodystrophy (MTDPS4A). Also called: NEURONAL DEGENERATION OF CHILDHOOD WITH LIVER DISEASE, PROGRESSIVE; Alpers Syndrome; ALPERS DIFFUSE DEGENERATION OF CEREBRAL GRAY MATTER WITH HEPATIC CIRRHOSIS; Alpers-Huttenlocher Syndrome; Mitochondrial DNA Depletion Syndrome 4A; Alpers-Huttenlocher Syndrome (AHS). Identifiers: Orphanet 726, MedGen C0205710, MONDO:0008758, OMIM 203700.

Submission:

Labcorp Genetics (formerly Invitae), Labcorp
Classification: Uncertain significance for Progressive sclerosing poliodystrophy. Last evaluated: 2022-10-21. Review status: criteria provided, single submitter. Criteria: Invitae Variant Classification Sherloc (09022015). Collection method: clinical testing. Allele origin: germline.
Comment: This sequence change replaces glycine, which is neutral and non-polar, with arginine, which is basic and polar, at codon 637 of the POLG protein (p.Gly637Arg). This variant is not present in population databases (gnomAD no frequency). This variant has not been reported in the literature in individuals affected with POLG-related conditions. Advanced modeling of protein sequence and biophysical properties (such as structural, functional, and spatial information, amino acid conservation, physicochemical variation, residue mobility, and thermodynamic stability) performed at Invitae indicates that this missense variant is not expected to disrupt POLG protein function. Algorithms developed to predict the effect of sequence changes on RNA splicing suggest that this variant may disrupt the consensus splice site. In summary, the available evidence is currently insufficient to determine the role of this variant in disease. Therefore, it has been classified as a Variant of Uncertain Significance.